The following is an entry in ClinVar:

ClinVar aggregate classification (germline): Benign (1 of 4 stars; one submission).

Allele frequency attached by ClinVar (database versions not stated): gnomAD exomes 0.08998; gnomAD 0.14082; TOPMed 0.14173; 1000 Genomes Project 0.18930; 1000 Genomes Project 30x 0.19222.
gnomAD v4.1: 43,570 of 398,368 alleles (11%); highest among the groups gnomAD compares: African/African-American, 26%; 3,249 homozygotes.

Submission:

Unidad de Genómica Garrahan, Hospital de Pediatría Garrahan
Classification: Benign. Last evaluated: 2024-07-15. Review status: criteria provided, single submitter. Criteria: ACMG Guidelines, 2015. Collection method: clinical testing. Allele origin: germline. Affected: no. Observed: 26 variant alleles.
Comment: This variant is classified as Benign based on local population frequency. This variant was detected in 28% of patients studied in a panel designed for Epileptic and Developmental Encephalopathy and Progressive Myoclonus Epilepsy. Number of patients: 26. Only high quality variants are reported.

NM_020988.3(GNAO1):c.161+20630C>T

Gene: GNAO1 (G protein subunit alpha o1; plus strand). Cytogenetic location: 16q13.
Variant type: single nucleotide variant.
Coding change: c.161+20630C>T on transcript NM_020988.3 (MANE Select); 20630 bases into the intron after coding-DNA position 161, C replaced by T.
Molecular consequence: intron variant.
Genome position (GRCh38, 1-based): chr16:56,213,246, C>T. VCF-style: chr16-56213246-C-T. GRCh37 (hg19) VCF-style: chr16-56247158-C-T.
Other names: c.161+20630C>T (NM_138736.3).
Identifiers: ClinVar variation 3255301 (VCV003255301.2), dbSNP rs76462449.
Genomic context (GRCh38, chr16:56,213,246, plus strand): 5'-ACACAAAAGTGTTTGAAATTATTTGGTTAAAATGCTTTCCATCGAGGTTATTCTTTCTTT[C>T]TTCTTTTTTTTTTCCCACTCTGCAGATATCCATTGAGCTTCTACTCTGTACCGAGCACCA-3'